The following is an entry in ClinVar:

ClinVar aggregate classification (germline): Conflicting classifications of pathogenicity. Review status: criteria provided, conflicting classifications (1 of 4 stars). 3 submissions from 3 submitters: Uncertain significance (2); Likely benign (1). Last evaluated 2025-11-24.

Conditions:
Cardiovascular phenotype. Identifiers: MedGen CN230736.
Hereditary cancer-predisposing syndrome. Also called: Tumor predisposition; Hereditary neoplastic syndrome; Neoplastic Syndromes, Hereditary; Hereditary Cancer Syndrome. Identifiers: Orphanet 140162, MedGen C0027672, MeSH D009386, MONDO:0015356.

gnomAD v4.1: 7 of 1,582,192 alleles (0.00044%); highest among the groups gnomAD compares: South Asian, 0.0045%; no homozygotes.

Submissions (3):

Labcorp Genetics (formerly Invitae), Labcorp
Classification: Uncertain significance. Last evaluated: 2025-11-24. Review status: criteria provided, single submitter. Criteria: Invitae Variant Classification Sherloc (09022015). Collection method: clinical testing. Allele origin: germline.
Comment: This sequence change replaces alanine, which is neutral and non-polar, with threonine, which is neutral and polar, at codon 490 of the LZTR1 protein (p.Ala490Thr). The frequency data for this variant in the population databases is considered unreliable, as metrics indicate poor data quality at this position in the gnomAD database. This variant has not been reported in the literature in individuals affected with LZTR1-related conditions. ClinVar contains an entry for this variant (Variation ID: 2581281). Invitae Evidence Modeling of protein sequence and biophysical properties (such as structural, functional, and spatial information, amino acid conservation, physicochemical variation, residue mobility, and thermodynamic stability) indicates that this missense variant is not expected to disrupt LZTR1 protein function with a negative predictive value of 80%. In summary, the available evidence is currently insufficient to determine the role of this variant in disease. Therefore, it has been classified as a Variant of Uncertain Significance.

Ambry Genetics
Classification: Likely benign for Cardiovascular phenotype; Hereditary cancer-predisposing syndrome. Last evaluated: 2024-07-08. Review status: criteria provided, single submitter. Criteria: Ambry Variant Classification Scheme 2023. Collection method: clinical testing. Allele origin: germline.

Women's Health and Genetics/Laboratory Corporation of America, LabCorp
Classification: Uncertain significance. Last evaluated: 2023-08-21. Review status: criteria provided, single submitter. Criteria: LabCorp Variant Classification Summary - May 2015. Collection method: clinical testing. Allele origin: germline.
Comment: Variant summary: LZTR1 c.1468G>A (p.Ala490Thr) results in a non-conservative amino acid change located in the BTB/POZ domain (IPR000210) of the encoded protein sequence. Four of five in-silico tools predict a benign effect of the variant on protein function. The variant allele was found at a frequency of 4.9e-06 in 203116 control chromosomes (gnomAD). The available data on variant occurrences in the general population are insufficient to allow any conclusion about variant significance. To our knowledge, no occurrence of c.1468G>A in individuals affected with Noonan Syndrome and no experimental evidence demonstrating its impact on protein function have been reported. No submitters have cited clinical-significance assessments for this variant to ClinVar after 2014. Based on the evidence outlined above, the variant was classified as uncertain significance.

NM_006767.4(LZTR1):c.1468G>A (p.Ala490Thr)

Gene: LZTR1 (leucine zipper like post translational regulator 1; plus strand). Cytogenetic location: 22q11.21.
Variant type: single nucleotide variant.
Coding change: c.1468G>A on transcript NM_006767.4 (MANE Select); coding-DNA position 1468, G replaced by A.
Protein change: p.Ala490Thr; replaces alanine 490 with threonine.
Molecular consequence: missense variant.
Genome position (GRCh38, 1-based): chr22:20,994,122, G>A. VCF-style: chr22-20994122-G-A. GRCh37 (hg19) VCF-style: chr22-21348411-G-A.
Other names: short protein forms A490T.
Identifiers: ClinVar variation 2581281 (VCV002581281.5), dbSNP rs1329226132, ClinGen allele CA410775507.
Genomic context (GRCh38, chr22:20,994,122, plus strand): 5'-TGGTGTCCACTGGGGTGTCCTTGAGCTCCCTTCTCCCCACAGAAGCTGGAGCAGGAGGCC[G>A]CCCCAGTTCCCAGGGAGGCCCCCGGCGTGGCTGCTGGTGGGGCCCGGCCGCCCCTGCTGC-3'
Protein context (NP_006758.2, residues 480-500): RLAQKLEQEA[Ala490Thr]PVPREAPGVA